The following is an entry in ClinVar:

NM_024747.6(HPS6):c.466_475dup (p.Phe159fs)

Gene: HPS6 (HPS6 biogenesis of lysosomal organelles complex 2 subunit 3; plus strand). Cytogenetic location: 10q24.32.
Variant type: Duplication.
Coding change: c.466_475dup on transcript NM_024747.6 (MANE Select); coding-DNA positions 466 to 475, 10 bases duplicated (GCAGCCGCTT; older notation c.466_475dupGCAGCCGCTT).
Protein change: p.Phe159fs; shifts the reading frame from phenylalanine 159.
Molecular consequence: frameshift variant.
Genome position (GRCh38, 1-based): chr10:102,065,940-102,065,949, GCAGCCGCTT duplicated. VCF-style (leftmost placement, unchanged base first): chr10-102065939-A-AGCAGCCGCTT. GRCh37 (hg19) VCF-style: chr10-103825696-A-AGCAGCCGCTT.
Other names: c.466_475dupGCAGCCGCTT (NM_024747.6); c.465_466insGCAGCCGCTT (NM_024747.6); short protein forms F159fs.
Identifiers: ClinVar variation 1443600 (VCV001443600.13), dbSNP rs1462863412, ClinGen allele CA595247585.
Genomic context (GRCh38, chr10:102,065,939, plus strand): 5'-AGGCCGCCTGGTGTGGTGCGAGGAGCGGCAGGCCCGGGCCGAGGGCCCGTCAGGGTCGCC[A>AGCAGCCGCTT]GCAGCCGCTTTCAGCCACTGTGTGTGCGTCCGGACTCTGGAGCCCAGCGGGGAAGCTAGC-3'

ClinVar aggregate classification (germline): Pathogenic/Likely pathogenic. Review status: criteria provided, multiple submitters, no conflicts (2 of 4 stars). 5 submissions from 5 submitters: Pathogenic (2); Likely pathogenic (2). 1 of the submissions does not count toward it. Last evaluated 2025-03-14.

Conditions:
Hermansky-Pudlak syndrome 6 (HPS6). Identifiers: Orphanet 231512, Orphanet 79430, MedGen C3888007, MONDO:0013558, OMIM 614075.
HPS6-related disorders.

Allele frequency attached by ClinVar (database versions not stated): gnomAD 0.00001; TOPMed 0.00001; gnomAD exomes 0.00002.

Submissions (5):

First Genomix Gene Laboratory, Genetic Diagnostics Department
Classification: Pathogenic for Hermansky-Pudlak syndrome 6. Last evaluated: 2025-03-14. Review status: criteria provided, single submitter. Criteria: ACMG Guidelines, 2015. Collection method: clinical testing. Allele origin: germline. Inheritance: Autosomal recessive inheritance. Affected: no. Observed: 1 variant allele.

Labcorp Genetics (formerly Invitae), Labcorp
Classification: Pathogenic. Last evaluated: 2025-01-06. Review status: criteria provided, single submitter. Criteria: Invitae Variant Classification Sherloc (09022015). Collection method: clinical testing. Allele origin: germline.
Comment: This sequence change creates a premature translational stop signal (p.Phe159Cysfs*20) in the HPS6 gene. While this is not anticipated to result in nonsense mediated decay, it is expected to disrupt the last 617 amino acid(s) of the HPS6 protein. This variant is present in population databases (no rsID available, gnomAD 0.004%). This variant has not been reported in the literature in individuals affected with HPS6-related conditions. ClinVar contains an entry for this variant (Variation ID: 1443600). This variant disrupts a region of the HPS6 protein in which other variant(s) (p.Leu356Alafs*11) have been determined to be pathogenic (PMID: 17041891). This suggests that this is a clinically significant region of the protein, and that variants that disrupt it are likely to be disease-causing. For these reasons, this variant has been classified as Pathogenic.

Blueprint Genetics
Classification: Likely pathogenic for HPS6-related disorders. Last evaluated: 2024-07-04. Review status: criteria provided, single submitter. Criteria: ACMG Guidelines, 2015. Collection method: clinical testing. Allele origin: germline. Affected: yes. Observed: 4 variant alleles.

Department of Pathology and Laboratory Medicine, Sinai Health System
Classification: Likely pathogenic for Hermansky-Pudlak syndrome 6. Last evaluated: 2020-08-11. Review status: criteria provided, single submitter. Criteria: ACMG Guidelines, 2015. Collection method: research. Allele origin: germline.

ISTH-SSC Genomics in Thrombosis and Hemostasis, KU Leuven, Center for Molecular and Vascular Biology
Classification: Likely pathogenic for Hermansky-Pudlak syndrome 6. Review status: no assertion criteria provided. Collection method: research. Allele origin: unknown. Affected: yes. Not counted in ClinVar's aggregate classification.
Comment: Submitted to GoldVariant by Dr Karyn Mégy from NIHR Bioresource - Cambridge University, UK

Literature cited by the submitters: PubMed 17041891 (cited by Labcorp Genetics (formerly Invitae), Labcorp).